The following is an entry in ClinVar:

ClinVar aggregate classification (germline): Uncertain significance (1 of 4 stars; one submission).

Submission:

Labcorp Genetics (formerly Invitae), Labcorp
Classification: Uncertain significance. Last evaluated: 2024-02-11. Review status: criteria provided, single submitter. Criteria: Invitae Variant Classification Sherloc (09022015). Collection method: clinical testing. Allele origin: germline.
Comment: This sequence change replaces glycine, which is neutral and non-polar, with arginine, which is basic and polar, at codon 795 of the COL4A3 protein (p.Gly795Arg). This variant is not present in population databases (gnomAD no frequency). This missense change has been observed in individual(s) with Alport syndrome (Invitae). ClinVar contains an entry for this variant (Variation ID: 1007588). Advanced modeling of protein sequence and biophysical properties (such as structural, functional, and spatial information, amino acid conservation, physicochemical variation, residue mobility, and thermodynamic stability) performed at Invitae indicates that this missense variant is expected to disrupt COL4A3 protein function with a positive predictive value of 80%. This variant disrupts the p.Gly795 amino acid residue in COL4A3. Other variant(s) that disrupt this residue have been determined to be pathogenic (PMID: 29801666, 33838161). This suggests that this residue is clinically significant, and that variants that disrupt this residue are likely to be disease-causing. In summary, the available evidence is currently insufficient to determine the role of this variant in disease. Therefore, it has been classified as a Variant of Uncertain Significance.

Literature cited by the submitters: PubMed 29801666; PubMed 33838161.

NM_000091.5(COL4A3):c.2383G>C (p.Gly795Arg)

Genes: COL4A3 (collagen type IV alpha 3 chain; plus strand), MFF-DT (MFF divergent transcript; minus strand). Cytogenetic location: 2q36.3.
Variant type: single nucleotide variant.
Coding change: c.2383G>C on transcript NM_000091.5 (MANE Select); coding-DNA position 2383, G replaced by C.
Protein change: p.Gly795Arg; replaces glycine 795 with arginine.
Molecular consequence: missense variant.
Genome position (GRCh38, 1-based): chr2:227,280,901, G>C. VCF-style: chr2-227280901-G-C. GRCh37 (hg19) VCF-style: chr2-228145617-G-C.
Other names: short protein forms G795R.
Identifiers: ClinVar variation 1007588 (VCV001007588.9), dbSNP rs2071916580, ClinGen allele CA350849370.